The following is an entry in ClinVar:

NM_000089.4(COL1A2):c.1864G>T (p.Gly622Cys)

Gene: COL1A2 (collagen type I alpha 2 chain; plus strand). Cytogenetic location: 7q21.3.
Variant type: single nucleotide variant.
Coding change: c.1864G>T on transcript NM_000089.4 (MANE Select); coding-DNA position 1864, G replaced by T.
Protein change: p.Gly622Cys; replaces glycine 622 with cysteine.
Molecular consequence: missense variant.
Genome position (GRCh38, 1-based): chr7:94,417,724, G>T. VCF-style: chr7-94417724-G-T. GRCh37 (hg19) VCF-style: chr7-94047036-G-T.
Other names: short protein forms G622C.
Identifiers: ClinVar variation 1701993 (VCV001701993.8), dbSNP rs2115921275, ClinGen allele CA368222768.
Genomic context (GRCh38, chr7:94,417,724, plus strand): 5'-TTTGATTCTTCATTTTCTTCTTTCTCCACTAAAATTGATTTCACATGTGTTTGACTCAAG[G>T]GTGAACCTGGTGTGGTTGGTGCTGTGGGCACTGCTGGTCCATCTGGTCCTAGTGGACTCC-3'
Protein context (NP_000080.2, residues 612-632): SGPPGPDGNK[Gly622Cys]EPGVVGAVGT

ClinVar aggregate classification (germline): Pathogenic/Likely pathogenic. Review status: criteria provided, multiple submitters, no conflicts (2 of 4 stars). 3 submissions from 3 submitters: Pathogenic (1); Likely pathogenic (2). Last evaluated 2025-09-18.

Conditions:
Osteogenesis imperfecta type I (OI1). Also called: Lobstein's Disease; OI, TYPE I; OSTEOGENESIS IMPERFECTA TARDA; Lobstein disease; Classic Non-deforming Osteogenesis Imperfecta with Blue Sclerae; OSTEOGENESIS IMPERFECTA WITH BLUE SCLERAE. Identifiers: Orphanet 216796, Orphanet 666, MedGen C0023931, MONDO:0008146, OMIM 166200. Disease mechanism: loss of function.
Ehlers-Danlos syndrome, classic type, 1 (EDSCL1). Also called: Ehlers-Danlos syndrome, type 1; EHLERS-DANLOS SYNDROME, GRAVIS TYPE; EHLERS-DANLOS SYNDROME, SEVERE CLASSIC TYPE; Ehlers-Danlos Syndrome, Classic Type, COL5A1-Related; EDS I. Identifiers: MedGen C0268335, MONDO:0019567, OMIM 130000.
COL1A2-related osteogenesis imperfecta. Identifiers: MedGen CN379211, MONDO:0100596.
Osteogenesis imperfecta (OI). Identifiers: Orphanet 666, MedGen C0029434, MeSH D010013, MONDO:0019019.

Submissions (3):

Dasa
Classification: Likely pathogenic for COL1A2-related osteogenesis imperfecta. Last evaluated: 2025-09-18. Review status: criteria provided, single submitter. Criteria: DASA Assertion Criteria. Collection method: clinical testing. Allele origin: germline.
Comment: NM_000089.4(COL1A2):c.1864G>T (p.Gly622Cys) is a missense variant that results in the substitution of glycine with cysteine. The affected residue or protein region has prior evidence supporting clinical relevance. This variant has been reported in individuals with COL1A2-related disorders. Also, this variant is absent from population databases. Computational evidence supports a deleterious effect. Based on the currently available evidence, this variant is classified as likely pathogenic.

Labcorp Genetics (formerly Invitae), Labcorp
Classification: Pathogenic for Osteogenesis imperfecta type I; Ehlers-Danlos syndrome, classic type, 1. Last evaluated: 2022-10-30. Review status: criteria provided, single submitter. Criteria: Invitae Variant Classification Sherloc (09022015). Collection method: clinical testing. Allele origin: germline.
Comment: This variant is not present in population databases (gnomAD no frequency). This missense change has been observed in individual(s) with osteogenesis imperfecta (Invitae). This sequence change replaces glycine, which is neutral and non-polar, with cysteine, which is neutral and slightly polar, at codon 622 of the COL1A2 protein (p.Gly622Cys). ClinVar contains an entry for this variant (Variation ID: 1701993). Algorithms developed to predict the effect of missense changes on protein structure and function are either unavailable or do not agree on the potential impact of this missense change (SIFT: "Deleterious"; PolyPhen-2: "Not Available"; Align-GVGD: "Class C65"). This variant disrupts the triple helix domain of COL1A2. Glycine residues within the Gly-Xaa-Yaa repeats of the triple helix domain are required for the structure and stability of fibrillar collagens (PMID: 7695699, 8218237, 19344236). In COL1A2, variants affecting these glycine residues are significantly enriched in individuals with disease (PMID: 9016532, 17078022) compared to the general population (ExAC). For these reasons, this variant has been classified as Pathogenic.

Genome Diagnostics Laboratory, The Hospital for Sick Children
Classification: Likely pathogenic for Osteogenesis imperfecta. Last evaluated: 2020-09-28. Review status: criteria provided, single submitter. Criteria: ACMG Guidelines, 2015. Collection method: clinical testing. Allele origin: germline.

Literature cited by the submitters: PubMed 7695699 (cited by Labcorp Genetics (formerly Invitae), Labcorp); PubMed 8218237 (cited by Labcorp Genetics (formerly Invitae), Labcorp); PubMed 19344236 (cited by Labcorp Genetics (formerly Invitae), Labcorp); PubMed 9016532 (cited by Labcorp Genetics (formerly Invitae), Labcorp); PubMed 17078022 (cited by Labcorp Genetics (formerly Invitae), Labcorp).